The following is an entry in ClinVar:

NM_004281.4(BAG3):c.1105G>C (p.Ala369Pro)

Gene: BAG3 (BAG cochaperone 3; plus strand). Cytogenetic location: 10q26.11.
Variant type: single nucleotide variant.
Coding change: c.1105G>C on transcript NM_004281.4 (MANE Select); coding-DNA position 1105, G replaced by C.
Protein change: p.Ala369Pro; replaces alanine 369 with proline.
Molecular consequence: missense variant.
Genome position (GRCh38, 1-based): chr10:119,676,659, G>C. VCF-style: chr10-119676659-G-C. GRCh37 (hg19) VCF-style: chr10-121436171-G-C.
Other names: short protein forms A369P.
Identifiers: ClinVar variation 1434048 (VCV001434048.9), dbSNP rs772900053, ClinGen allele CA5716486.

ClinVar aggregate classification (germline): Uncertain significance. Review status: criteria provided, multiple submitters, no conflicts (2 of 4 stars). 2 submissions from 2 submitters: Uncertain significance (2). Last evaluated 2022-05-04.

Conditions:
Myofibrillar myopathy 6. Identifiers: Orphanet 199340, MedGen C2751831, MONDO:0013061, OMIM 612954.
Dilated cardiomyopathy 1HH (CMD1HH). Identifiers: Orphanet 154, MedGen C3151293, MONDO:0013479, OMIM 613881.

Allele frequency attached by ClinVar (database versions not stated): gnomAD exomes below 0.00001; ExAC 0.00001.
gnomAD v4.1: 1 of 1,614,132 alleles (0.000062%); highest among the groups gnomAD compares: Non-Finnish European, 0.000085%; no homozygotes.

Submissions (2):

Blueprint Genetics
Classification: Uncertain significance. Last evaluated: 2022-05-04. Review status: criteria provided, single submitter. Criteria: ACMG Guidelines, 2015. Collection method: clinical testing. Allele origin: germline.

Labcorp Genetics (formerly Invitae), Labcorp
Classification: Uncertain significance for Dilated cardiomyopathy 1HH; Myofibrillar myopathy 6. Last evaluated: 2021-05-31. Review status: criteria provided, single submitter. Criteria: Invitae Variant Classification Sherloc (09022015). Collection method: clinical testing. Allele origin: germline.
Comment: In summary, the available evidence is currently insufficient to determine the role of this variant in disease. Therefore, it has been classified as a Variant of Uncertain Significance. Algorithms developed to predict the effect of missense changes on protein structure and function are either unavailable or do not agree on the potential impact of this missense change (SIFT: "Tolerated"; PolyPhen-2: "Not Available"; Align-GVGD: "Class C0"). This variant has not been reported in the literature in individuals with BAG3-related conditions. This variant is present in population databases (rs772900053, ExAC 0.001%). This sequence change replaces alanine with proline at codon 369 of the BAG3 protein (p.Ala369Pro). The alanine residue is weakly conserved and there is a small physicochemical difference between alanine and proline.